The following is an entry in ClinVar:

NM_213655.5(WNK1):c.2223C>A (p.Phe741Leu)

Gene: WNK1 (WNK lysine deficient protein kinase 1; plus strand). Cytogenetic location: 12p13.33.
Variant type: single nucleotide variant.
Coding change: c.2223C>A on transcript NM_213655.5 (MANE Plus Clinical); coding-DNA position 2223, C replaced by A.
Protein change: p.Phe741Leu; replaces phenylalanine 741 with leucine.
Molecular consequence: missense variant. On other transcripts: intron variant (3).
Genome position (GRCh38, 1-based): chr12:865,193, C>A. VCF-style: chr12-865193-C-A. GRCh37 (hg19) VCF-style: chr12-974359-C-A.
Other names: c.2140-2673C>A (NM_001184985.2); c.2139+2923C>A (NM_018979.4, NM_014823.3); short protein forms F741L.
Identifiers: ClinVar variation 2144348 (VCV002144348.4), dbSNP rs1486296016, ClinGen allele CA383337583.
Genomic context (GRCh38, chr12:865,193, plus strand): 5'-GGTTTGTGTTCCCATCTTTCTGCTGTTGCCTCTGTGTCCCGCATCTCTCCCAGTGCTCTT[C>A]CACCCCACCGCCAGTACTGTCTGCACCTCTTTCTCCTTCCCTCCTCCGGACTGCCCCGAG-3'
Protein context (NP_998820.3, residues 731-751): PLCPASLPVL[Phe741Leu]HPTASTVCTS

ClinVar aggregate classification (germline): Uncertain significance (1 of 4 stars; one submission).

Conditions:
Neuropathy, hereditary sensory and autonomic, type 2A (HSAN2A). Also called: ACROOSTEOLYSIS, GIACCAI TYPE; ACROOSTEOLYSIS, NEUROGENIC; MORVAN DISEASE; NEUROPATHY, CONGENITAL SENSORY; NEUROPATHY, HEREDITARY SENSORY RADICULAR, AUTOSOMAL RECESSIVE; NEUROPATHY, HEREDITARY SENSORY, TYPE IIA. Identifiers: Orphanet 970, MedGen C2752089, MONDO:0024309, OMIM 201300.
Pseudohypoaldosteronism type 2C (PHA2C). Also called: Pseudohypoaldosteronism Type IIC. Identifiers: Orphanet 757, Orphanet 88940, MedGen C1840391, MONDO:0013778, OMIM 614492.

Allele frequency attached by ClinVar (database versions not stated): TOPMed below 0.00001; gnomAD 0.00001.

Submission:

Labcorp Genetics (formerly Invitae), Labcorp
Classification: Uncertain significance for Neuropathy, hereditary sensory and autonomic, type 2A; Pseudohypoaldosteronism type 2C. Last evaluated: 2022-03-23. Review status: criteria provided, single submitter. Criteria: Invitae Variant Classification Sherloc (09022015). Collection method: clinical testing. Allele origin: germline.
Comment: The frequency data for this variant in the population databases is considered unreliable, as metrics indicate poor data quality at this position in the gnomAD database. In summary, the available evidence is currently insufficient to determine the role of this variant in disease. Therefore, it has been classified as a Variant of Uncertain Significance. Advanced modeling of protein sequence and biophysical properties (such as structural, functional, and spatial information, amino acid conservation, physicochemical variation, residue mobility, and thermodynamic stability) performed at Invitae indicates that this missense variant is not expected to disrupt WNK1 protein function. This variant has not been reported in the literature in individuals affected with WNK1-related conditions. This sequence change replaces phenylalanine, which is neutral and non-polar, with leucine, which is neutral and non-polar, at codon 741 of the WNK1 protein (p.Phe741Leu).